The following is an entry in ClinVar:

ClinVar aggregate classification (germline): Pathogenic/Likely pathogenic. Review status: criteria provided, multiple submitters, no conflicts (2 of 4 stars). 2 submissions from 2 submitters: Pathogenic (1); Likely pathogenic (1).

Conditions:
Platelet-type bleeding disorder 15 (BDPLT15). Also called: MACROTHROMBOCYTOPENIA, AUTOSOMAL DOMINANT, ACTN1-RELATED. Identifiers: Orphanet 140957, MedGen C3554663, MONDO:0014078, OMIM 615193.

Submissions (2):

Hematology laboratory, Robert Debré Hospital
Classification: Likely pathogenic for Platelet-type bleeding disorder 15. Review status: criteria provided, single submitter. Criteria: ACMG Guidelines, 2015. Collection method: clinical testing. Allele origin: germline. Affected: yes. Observed: 2 variant alleles.

ISTH-SSC Genomics in Thrombosis and Hemostasis, KU Leuven, Center for Molecular and Vascular Biology
Classification: Pathogenic for Platelet-type bleeding disorder 15. Review status: criteria provided, single submitter. Criteria: ACMG Guidelines, 2015. Collection method: clinical testing. Allele origin: germline. Affected: yes. Observed: 1 heterozygote.
Comment: Submitted to GoldVariant by Jose María Bastida and José Rivera; Grupo Español de Alteraciones Plaquetarias Congénitas (GEAPC)

Literature cited by the submitters: PubMed 31237726 (cited by Hematology laboratory, Robert Debré Hospital and ISTH-SSC Genomics in Thrombosis and Hemostasis, KU Leuven, Center for Molecular and Vascular Biology).

NM_001130004.2(ACTN1):c.1348C>T (p.Arg450Cys)

Gene: ACTN1 (actinin alpha 1; minus strand). Cytogenetic location: 14q24.1.
Variant type: single nucleotide variant.
Coding change: c.1348C>T on transcript NM_001130004.2 (MANE Select); coding-DNA position 1348, C replaced by T.
Protein change: p.Arg450Cys; replaces arginine 450 with cysteine.
Molecular consequence: missense variant.
Genome position (GRCh38, 1-based): chr14:68,885,462, G>A on the plus strand (C>T on the coding strand, the complement: ACTN1 is on the minus strand). VCF-style: chr14-68885462-G-A. GRCh37 (hg19) VCF-style: chr14-69352179-G-A.
Other names: c.1348C>T, p.Arg450Cys (NM_001102.4, NM_001130005.2); short protein forms R450C.
Identifiers: ClinVar variation 666546 (VCV000666546.3), dbSNP rs1594760036, ClinGen allele CA390185648.
Genomic context (GRCh38, chr14:68,885,462, plus strand): 5'-TAGGGGTGTCTGGGGCCACCTACTTGAGCTCCTGTGCGATGGCGGCAATCTGCTCCACAC[G>A]GTCCTGGTGGGCAGCCAGGTCACTCTCGAAGGCCTCATGCTTCTTGAGCAGGGCCTTGAT-3'
Protein context (NP_001123476.1, residues 440-460): FESDLAAHQD[Arg450Cys]VEQIAAIAQE